The following is an entry in ClinVar:

ClinVar aggregate classification (germline): Uncertain significance (1 of 4 stars; one submission).

gnomAD v4.1: 3 of 1,614,150 alleles (0.00019%); highest among the groups gnomAD compares: East Asian, 0.0067%; no homozygotes.

Submission:

CeGaT Center for Human Genetics Tuebingen
Classification: Uncertain significance. Last evaluated: 2023-09-01. Review status: criteria provided, single submitter. Criteria: CeGaT Center For Human Genetics Tuebingen Variant Classification Criteria Version 2. Collection method: clinical testing. Allele origin: germline. Affected: yes. Observed: 1 variant allele.
Comment: COCH: PM1, PM5

NM_004086.3(COCH):c.271C>G (p.Arg91Gly)

Genes: COCH-AS1 (COCH antisense RNA 1; minus strand), COCH (cochlin; plus strand). Cytogenetic location: 14q12.
Variant type: single nucleotide variant.
Coding change: c.271C>G on transcript NM_004086.3 (MANE Select); coding-DNA position 271, C replaced by G.
Protein change: p.Arg91Gly; replaces arginine 91 with glycine.
Molecular consequence: missense variant.
Genome position (GRCh38, 1-based): chr14:30,878,842, C>G. VCF-style: chr14-30878842-C-G. GRCh37 (hg19) VCF-style: chr14-31348048-C-G.
Other names: c.271C>G, p.Arg91Gly (NM_001135058.2); c.466C>G, p.Arg156Gly (NM_001347720.2); short protein forms R156G, R91G.
Identifiers: ClinVar variation 2644150 (VCV002644150.24), dbSNP rs540895576, ClinGen allele CA258536569.